The following is an entry in ClinVar:

NM_015046.7(SETX):c.4866G>A (p.Pro1622=)

Gene: SETX (senataxin; minus strand). Cytogenetic location: 9q34.13.
Variant type: single nucleotide variant.
Coding change: c.4866G>A on transcript NM_015046.7 (MANE Select); coding-DNA position 4866, G replaced by A.
Protein change: p.Pro1622=; no amino-acid change (proline 1622 retained).
Molecular consequence: synonymous variant.
Genome position (GRCh38, 1-based): chr9:132,326,732, C>T on the plus strand (G>A on the coding strand, the complement: SETX is on the minus strand). VCF-style: chr9-132326732-C-T. GRCh37 (hg19) VCF-style: chr9-135202119-C-T.
Other names: c.4866G>A, p.Pro1622= (NM_001351527.2, NM_001351528.2).
Identifiers: ClinVar variation 468514 (VCV000468514.15), dbSNP rs779472573, ClinGen allele CA5297120.
Genomic context (GRCh38, chr9:132,326,732, plus strand): 5'-GGGAACTGGCTGTGGTACTTTCAAAATCGACTGTATCCCCTTTGACTTATTTTTTAGAGA[C>T]GGTGAAAGTGCTGAAGAAGTTTCCAAAGATTTAGAAAGACCAGCAATTCGTGAAGTACTC-3'
Protein context (NP_055861.3, residues 1612-1632): KSLETSSALS[Pro1622=]SLKNKSKGIQ

ClinVar aggregate classification (germline): Likely benign. Review status: criteria provided, multiple submitters, no conflicts (2 of 4 stars). 8 submissions from 7 submitters: Likely benign (8). Last evaluated 2025-03-10.

Conditions:
SETX-related disorder. Also called: SETX-related disorders; SETX-related condition. Identifiers: MedGen CN239403.
Inborn genetic diseases. Identifiers: MedGen C0950123, MeSH D030342.
Spinocerebellar ataxia, autosomal recessive, with axonal neuropathy 2 (SCAN2). Also called: Ataxia with Oculomotor Apraxia; ATAXIA-OCULOMOTOR APRAXIA 2; Ataxia-ocular apraxia-2; Ataxia with Oculomotor Apraxia Type 2. Identifiers: Orphanet 64753, MedGen C1853761, MONDO:0018996, OMIM 606002.
Amyotrophic lateral sclerosis type 4 (ALS4). Also called: NEURONOPATHY, DISTAL HEREDITARY MOTOR, WITH PYRAMIDAL FEATURES; AMYOTROPHIC LATERAL SCLEROSIS 4, JUVENILE. Identifiers: Orphanet 357043, MedGen C1865409, MONDO:0011223, OMIM 602433.

Allele frequency attached by ClinVar (database versions not stated): gnomAD exomes 0.00003; ExAC 0.00004; gnomAD 0.00008 and 0.00009; TOPMed 0.00010.
gnomAD v4.1: 50 of 1,614,022 alleles (0.0031%); highest among the groups gnomAD compares: Middle Eastern, 0.033%; no homozygotes.

Submissions (8):

PreventionGenetics, part of Exact Sciences
Classification: Likely benign for SETX-related condition. Last evaluated: 2025-03-10. Review status: criteria provided, single submitter. Criteria: ACMG Guidelines, 2015. Collection method: clinical testing. Allele origin: germline.
Comment: This variant is classified as likely benign based on ACMG/AMP sequence variant interpretation guidelines (Richards et al. 2015 PMID: 25741868, with internal and published modifications).

Labcorp Genetics (formerly Invitae), Labcorp
Classification: Likely benign for Amyotrophic lateral sclerosis type 4; Spinocerebellar ataxia, autosomal recessive, with axonal neuropathy 2. Last evaluated: 2024-12-12. Review status: criteria provided, single submitter. Criteria: Invitae Variant Classification Sherloc (09022015). Collection method: clinical testing. Allele origin: germline.

Athena Diagnostics
Classification: Likely benign. Last evaluated: 2024-02-29. Review status: criteria provided, single submitter. Criteria: Athena Diagnostics Criteria. Collection method: clinical testing. Allele origin: unknown.

Women's Health and Genetics/Laboratory Corporation of America, LabCorp
Classification: Likely benign. Last evaluated: 2023-10-06. Review status: criteria provided, single submitter. Criteria: LabCorp Variant Classification Summary - May 2015. Collection method: clinical testing. Allele origin: germline.

Genome-Nilou Lab
Classification: Likely benign for Spinocerebellar ataxia, autosomal recessive, with axonal neuropathy 2. Last evaluated: 2023-02-08. Review status: criteria provided, single submitter. Criteria: ACMG Guidelines, 2015. Collection method: clinical testing. Allele origin: germline.

Genome-Nilou Lab
Classification: Likely benign for Amyotrophic lateral sclerosis type 4. Last evaluated: 2023-02-08. Review status: criteria provided, single submitter. Criteria: ACMG Guidelines, 2015. Collection method: clinical testing. Allele origin: germline.

Blueprint Genetics
Classification: Likely benign. Last evaluated: 2020-12-29. Review status: criteria provided, single submitter. Criteria: ACMG Guidelines, 2015. Collection method: clinical testing. Allele origin: germline.

Ambry Genetics
Classification: Likely benign for Inborn genetic diseases. Last evaluated: 2019-07-11. Review status: criteria provided, single submitter. Criteria: Ambry Variant Classification Scheme 2023. Collection method: clinical testing. Allele origin: germline.